The following is an entry in ClinVar:

ClinVar aggregate classification (germline): Uncertain significance. Review status: criteria provided, multiple submitters, no conflicts (2 of 4 stars). 3 submissions from 3 submitters: Uncertain significance (3). Last evaluated 2025-08-13.

Conditions:
Cardiovascular phenotype. Identifiers: MedGen CN230736.
Dilated cardiomyopathy 1HH (CMD1HH). Identifiers: Orphanet 154, MedGen C3151293, MONDO:0013479, OMIM 613881.
Myofibrillar myopathy 6. Identifiers: Orphanet 199340, MedGen C2751831, MONDO:0013061, OMIM 612954.

Allele frequency attached by ClinVar (database versions not stated): ExAC 0.00001; gnomAD 0.00001; TOPMed 0.00002.
gnomAD v4.1: 29 of 1,602,346 alleles (0.0018%); highest among the groups gnomAD compares: Non-Finnish European, 0.0024%; no homozygotes.

Submissions (3):

Ambry Genetics
Classification: Uncertain significance for Cardiovascular phenotype. Last evaluated: 2025-08-13. Review status: criteria provided, single submitter. Criteria: Ambry Variant Classification Scheme 2023. Collection method: clinical testing. Allele origin: germline.

Labcorp Genetics (formerly Invitae), Labcorp
Classification: Uncertain significance for Dilated cardiomyopathy 1HH; Myofibrillar myopathy 6. Last evaluated: 2024-06-04. Review status: criteria provided, single submitter. Criteria: Invitae Variant Classification Sherloc (09022015). Collection method: clinical testing. Allele origin: germline.
Comment: This sequence change replaces proline, which is neutral and non-polar, with serine, which is neutral and polar, at codon 37 of the BAG3 protein (p.Pro37Ser). The frequency data for this variant in the population databases is considered unreliable, as metrics indicate poor data quality at this position in the gnomAD database. This variant has not been reported in the literature in individuals affected with BAG3-related conditions. ClinVar contains an entry for this variant (Variation ID: 841061). An algorithm developed to predict the effect of missense changes on protein structure and function (PolyPhen-2) suggests that this variant is likely to be disruptive. In summary, the available evidence is currently insufficient to determine the role of this variant in disease. Therefore, it has been classified as a Variant of Uncertain Significance.

GeneDx
Classification: Uncertain significance. Last evaluated: 2019-10-12. Review status: criteria provided, single submitter. Criteria: GeneDx Variant Classification Process June 2021. Collection method: clinical testing. Allele origin: germline. Affected: yes.
Comment: Not observed in large population cohorts (Lek et al., 2016); In silico analysis, which includes protein predictors and evolutionary conservation, supports a deleterious effect; Has not been previously published as pathogenic or benign to our knowledge

NM_004281.4(BAG3):c.109C>T (p.Pro37Ser)

Gene: BAG3 (BAG cochaperone 3; plus strand). Cytogenetic location: 10q26.11.
Variant type: single nucleotide variant.
Coding change: c.109C>T on transcript NM_004281.4 (MANE Select); coding-DNA position 109, C replaced by T.
Protein change: p.Pro37Ser; replaces proline 37 with serine.
Molecular consequence: missense variant.
Genome position (GRCh38, 1-based): chr10:119,651,784, C>T. VCF-style: chr10-119651784-C-T. GRCh37 (hg19) VCF-style: chr10-121411296-C-T.
Other names: short protein forms P37S.
Identifiers: ClinVar variation 841061 (VCV000841061.12), dbSNP rs764177199, ClinGen allele CA5716218.
Genomic context (GRCh38, chr10:119,651,784, plus strand): 5'-GGTGACCGCGACCCTTTGCCCCCCGGATGGGAGATCAAGATCGACCCGCAGACCGGCTGG[C>T]CCTTCTTCGTGGACCACAACAGCCGCACCACTACGTGGAACGACCCGCGCGTGCCCTCTG-3'
Protein context (NP_004272.2, residues 27-47): EIKIDPQTGW[Pro37Ser]FFVDHNSRTT